The following is an entry in ClinVar:

NM_003640.5(ELP1):c.31G>T (p.Glu11Ter)

Gene: ELP1 (elongator acetyltransferase complex subunit 1; minus strand). Cytogenetic location: 9q31.3.
Variant type: single nucleotide variant.
Coding change: c.31G>T on transcript NM_003640.5 (MANE Select); coding-DNA position 31, G replaced by T.
Protein change: p.Glu11Ter; replaces glutamic acid 11 with a stop codon.
Molecular consequence: nonsense. On other transcripts: 5 prime UTR variant (1), intron variant (1).
Genome position (GRCh38, 1-based): chr9:108,931,116, C>A on the plus strand (G>T on the coding strand, the complement: ELP1 is on the minus strand). VCF-style: chr9-108931116-C-A. GRCh37 (hg19) VCF-style: chr9-111693396-C-A.
Other names: c.-829G>T (NM_001330749.2); c.-252-60G>T (NM_001318360.2); short protein forms E11*.
Identifiers: ClinVar variation 2708286 (VCV002708286.3), dbSNP rs2537967112, ClinGen allele CA374395303.

ClinVar aggregate classification (germline): Pathogenic (1 of 4 stars; one submission).

Allele frequency attached by ClinVar (database versions not stated): gnomAD exomes below 0.00001.
gnomAD v4.1: 4 of 1,614,082 alleles (0.00025%); highest among the groups gnomAD compares: Non-Finnish European, 0.00034%; no homozygotes.

Submission:

Labcorp Genetics (formerly Invitae), Labcorp
Classification: Pathogenic. Last evaluated: 2024-01-08. Review status: criteria provided, single submitter. Criteria: Invitae Variant Classification Sherloc (09022015). Collection method: clinical testing. Allele origin: germline.
Comment: This sequence change creates a premature translational stop signal (p.Glu11*) in the ELP1 gene. It is expected to result in an absent or disrupted protein product. Loss-of-function variants in ELP1 are known to be pathogenic (PMID: 18303054, 24173031). This variant is not present in population databases (gnomAD no frequency). This variant has not been reported in the literature in individuals affected with ELP1-related conditions. Algorithms developed to predict the effect of sequence changes on RNA splicing suggest that this variant may disrupt the consensus splice site. For these reasons, this variant has been classified as Pathogenic.

Literature cited by the submitters: PubMed 18303054; PubMed 24173031.